The following is an entry in ClinVar:

NM_057176.3(BSND):c.309G>C (p.Glu103Asp)

Gene: BSND (barttin CLCNK type accessory subunit beta; plus strand). Cytogenetic location: 1p32.3.
Variant type: single nucleotide variant.
Coding change: c.309G>C on transcript NM_057176.3 (MANE Select); coding-DNA position 309, G replaced by C.
Protein change: p.Glu103Asp; replaces glutamic acid 103 with aspartic acid.
Molecular consequence: missense variant.
Genome position (GRCh38, 1-based): chr1:55,007,033, G>C. VCF-style: chr1-55007033-G-C. GRCh37 (hg19) VCF-style: chr1-55472706-G-C.
Other names: short protein forms E103D.
Identifiers: ClinVar variation 227191 (VCV000227191.23), dbSNP rs200246335, ClinGen allele CA871301.

ClinVar aggregate classification (germline): Conflicting classifications of pathogenicity. Review status: criteria provided, conflicting classifications (1 of 4 stars). 7 submissions from 7 submitters: Uncertain significance (2); Benign (1); Likely benign (3). 1 of the submissions does not count toward it. Last evaluated 2026-02-02.

Conditions:
Bartter disease type 4A. Also called: BARTTER SYNDROME, NEONATAL, WITH SENSORINEURAL DEAFNESS; BARTTER SYNDROME, TYPE 4A, NEONATAL, WITH SENSORINEURAL DEAFNESS. Identifiers: Orphanet 112, MedGen C1865270, MONDO:0011242, OMIM 602522.
Inborn genetic diseases. Identifiers: MedGen C0950123, MeSH D030342.
Bartter syndrome. Identifiers: Orphanet 112, MedGen C0004775, MONDO:0015231.

Allele frequency attached by ClinVar (database versions not stated): 1000 Genomes Project 30x 0.00016; 1000 Genomes Project 0.00020; TOPMed 0.00022; ESP Exome Variant Server 0.00023; gnomAD exomes 0.00032 and 0.00044; gnomAD 0.00034 and 0.00040; ExAC 0.00061.

Submissions (7):

Labcorp Genetics (formerly Invitae), Labcorp
Classification: Benign. Last evaluated: 2026-02-02. Review status: criteria provided, single submitter. Criteria: Invitae Variant Classification Sherloc (09022015). Collection method: clinical testing. Allele origin: germline.

Blueprint Genetics
Classification: Likely benign. Last evaluated: 2024-11-14. Review status: criteria provided, single submitter. Criteria: ACMG Guidelines, 2015. Collection method: clinical testing. Allele origin: germline.

Ambry Genetics
Classification: Uncertain significance for Inborn genetic diseases. Last evaluated: 2021-07-14. Review status: criteria provided, single submitter. Criteria: Ambry Variant Classification Scheme 2023. Collection method: clinical testing. Allele origin: germline.

GeneDx
Classification: Likely benign. Last evaluated: 2020-10-06. Review status: criteria provided, single submitter. Criteria: GeneDx Variant Classification Process June 2021. Collection method: clinical testing. Allele origin: germline. Affected: yes.

Illumina Laboratory Services, Illumina
Classification: Uncertain significance for Bartter disease type 4A. Last evaluated: 2018-01-13. Review status: criteria provided, single submitter. Criteria: ICSL Variant Classification Criteria 13 December 2019. Collection method: clinical testing. Allele origin: germline.

Laboratory for Molecular Medicine, Mass General Brigham Personalized Medicine
Classification: Likely benign. Last evaluated: 2015-03-03. Review status: criteria provided, single submitter. Criteria: LMM Criteria. Collection method: clinical testing. Allele origin: germline. Observed: 1 variant allele.
Comment: p.Glu103Asp in exon 3 of BSND: This variant is not expected to have clinical sig nificance due to a lack of conservation across species, including mammals. Of no te, 3 mammals (microbat, hedehog and aardvark) have an aspartic acid (Asp) at th is position despite high nearby amino acid conservation. In addition, computatio nal prediction tools do not suggest a high likelihood of impact to the protein. The variant has also been identified in 54/65485 European chromosomes by the Exo me Aggregation Consortium (ExAC; dbSNP rs2002463 35).

Natera, Inc.
Classification: Likely benign for Bartter syndrome. Last evaluated: 2020-04-30. Review status: no assertion criteria provided. Collection method: clinical testing. Allele origin: germline. Not counted in ClinVar's aggregate classification.